The following is an entry in ClinVar:

NM_170606.3(KMT2C):c.6902A>G (p.Gln2301Arg)

Gene: KMT2C (lysine methyltransferase 2C; minus strand). Cytogenetic location: 7q36.1.
Variant type: single nucleotide variant.
Coding change: c.6902A>G on transcript NM_170606.3 (MANE Select); coding-DNA position 6902, A replaced by G.
Protein change: p.Gln2301Arg; replaces glutamine 2301 with arginine.
Molecular consequence: missense variant.
Genome position (GRCh38, 1-based): chr7:152,180,958, T>C on the plus strand (A>G on the coding strand, the complement: KMT2C is on the minus strand). VCF-style: chr7-152180958-T-C. GRCh37 (hg19) VCF-style: chr7-151878043-T-C.
Other names: short protein forms Q2301R.
Identifiers: ClinVar variation 5009152 (VCV005009152.1).

ClinVar aggregate classification (germline): Uncertain significance (1 of 4 stars; one submission).

Submission:

GeneDx
Classification: Uncertain significance. Last evaluated: 2026-03-13. Review status: criteria provided, single submitter. Criteria: GeneDx Variant Classification Process June 2021. Collection method: clinical testing. Allele origin: germline.
Comment: Not observed at significant frequency in large population cohorts (gnomAD); In silico analysis supports that this missense variant has a deleterious effect on protein structure/function; Has not been previously published as pathogenic or benign to our knowledge